The following is an entry in ClinVar:

ClinVar aggregate classification (germline): Uncertain significance (1 of 4 stars; one submission).

Conditions:
Familial adenomatous polyposis 1 (FAP1). Also called: FAMILIAL ADENOMATOUS POLYPOSIS 1, ATTENUATED; POLYPOSIS, ADENOMATOUS INTESTINAL. Identifiers: MedGen C2713442, MONDO:0021056, OMIM 175100. Disease mechanism: loss of function.

Submission:

Labcorp Genetics (formerly Invitae), Labcorp
Classification: Uncertain significance for Familial adenomatous polyposis 1. Last evaluated: 2023-05-08. Review status: criteria provided, single submitter. Criteria: Invitae Variant Classification Sherloc (09022015). Collection method: clinical testing. Allele origin: germline.
Comment: In summary, the available evidence is currently insufficient to determine the role of this variant in disease. Therefore, it has been classified as a Variant of Uncertain Significance. Experimental studies and prediction algorithms are not available or were not evaluated, and the functional significance of this variant is currently unknown. This variant has not been reported in the literature in individuals affected with APC-related conditions. This variant is not present in population databases (gnomAD no frequency). This variant occurs in a non-coding region of the APC gene. It does not change the encoded amino acid sequence of the APC protein.

NM_001127511.3(APC):c.-52T>C

Gene: APC (APC regulator of Wnt signaling pathway; plus strand). Cytogenetic location: 5q22.2.
Variant type: single nucleotide variant.
Coding change: c.-52T>C on transcript NM_001127511.3; 52 bases upstream of the start codon, T replaced by C.
Molecular consequence: 5 prime UTR variant. On other transcripts: non-coding transcript variant (1), intron variant (5).
Genome position (GRCh38, 1-based): chr5:112,707,666, T>C. VCF-style: chr5-112707666-T-C. GRCh37 (hg19) VCF-style: chr5-112043363-T-C.
Other names: c.-235T>C (NM_001354895.2, NM_001407447.1, NM_001407452.1 and 3 more transcripts); c.-52T>C (NM_001354897.2, NM_001354902.2, NM_001407446.1); c.-1270T>C (NM_001407470.1, NM_001407472.1); c.-19+17T>C (NM_001407448.1, NM_001407450.1, NM_001407457.1 and 1 more transcripts); c.-43+17T>C (NM_001407453.1).
Identifiers: ClinVar variation 2731551 (VCV002731551.3), dbSNP rs2149630113, ClinGen allele CA2674863591.